The following is an entry in ClinVar:

NM_052988.5(CDK10):c.1082G>A (p.Ter361=)

Gene: CDK10 (cyclin dependent kinase 10; plus strand). Cytogenetic location: 16q24.3.
Variant type: single nucleotide variant.
Coding change: c.1082G>A on transcript NM_052988.5 (MANE Select); coding-DNA position 1082, G replaced by A.
Protein change: p.Ter361=.
Molecular consequence: synonymous variant. On other transcripts: non-coding transcript variant (1), intron variant (1).
Genome position (GRCh38, 1-based): chr16:89,695,691, G>A. VCF-style: chr16-89695691-G-A. GRCh37 (hg19) VCF-style: chr16-89762099-G-A.
Other names: c.851G>A, p.Ter284= (NM_001098533.3); c.869G>A, p.Ter290= (NM_001160367.2); c.773-38G>A (NM_052987.4).
Identifiers: ClinVar variation 3047304 (VCV003047304.2), dbSNP rs562331864, ClinGen allele CA8248334.
Genomic context (GRCh38, chr16:89,695,691, plus strand): 5'-ACCGCAACAAGCGGGCCGCCCCAGCCACCTCCGAGGGCCAGAGCAAGCGCTGTAAACCCT[G>A]ACGGTGGGCCTGGCACACGCCTGTATTCCCACACCAGGTCTTCCGATCAGTGGTGTCTGT-3'

ClinVar aggregate classification (germline): Likely benign (0 of 4 stars; one submission).

Conditions:
CDK10-related disorder. Also called: CDK10-related condition.

Allele frequency attached by ClinVar (database versions not stated): gnomAD 0.00001; TOPMed 0.00001; ExAC 0.00011.
gnomAD v4.1: 102 of 1,595,382 alleles (0.0064%); highest among the groups gnomAD compares: Non-Finnish European, 0.0087%; no homozygotes.

Submission:

PreventionGenetics, part of Exact Sciences
Classification: Likely benign for CDK10-related condition. Last evaluated: 2019-04-01. Review status: no assertion criteria provided. Collection method: clinical testing. Allele origin: germline.
Comment: This variant is classified as likely benign based on ACMG/AMP sequence variant interpretation guidelines (Richards et al. 2015 PMID: 25741868, with internal and published modifications).